The following is an entry in ClinVar:

ClinVar aggregate classification (germline): Uncertain significance. Review status: criteria provided, multiple submitters, no conflicts (2 of 4 stars). 10 submissions from 10 submitters: Uncertain significance (10). Last evaluated 2026-07-13.

Conditions:
TTR-related disorder. Also called: TTR-related condition; TTR-related disorders.
Amyloidosis, hereditary systemic 1 (AMYLD1). Also called: Transthyretin Amyloidosis; Familial amyloid polyneuropathy; Hereditary Transthyretin Amyloidosis; Isolated Cardiac Amyloidosis; Amyloid Cardiomyopathy, Transthyretin-related; AMYLOID CARDIOMYOPATHY. Identifiers: Orphanet 85447, Orphanet 85451, MedGen C2751492, MONDO:0971004, OMIM 105210.
Carpal tunnel syndrome 1 (CTS1). Also called: Carpal tunnel syndrome, familial. Identifiers: MedGen C5779776, MONDO:0020730, OMIM 115430.
Hyperthyroxinemia, dystransthyretinemic. Also called: HYPERTHYROXINEMIA, DYSPREALBUMINEMIC; EUTHRYROIDAL HYPERTHYROXINEMIA 2. Identifiers: MedGen C2750824, MONDO:0007785, OMIM 145680.
Cardiovascular phenotype. Identifiers: MedGen CN230736.
Tip-toe gait. Also called: Toe walking. Identifiers: MedGen C0427144, HP:0030051.

Allele frequency attached by ClinVar (database versions not stated): gnomAD 0.00002; gnomAD exomes 0.00002; TOPMed 0.00002; ExAC 0.00003.

Submissions (10):

PreventionGenetics, part of Exact Sciences
Classification: Uncertain significance for TTR-related condition. Last evaluated: 2026-07-13. Review status: criteria provided, single submitter. Criteria: ACMG Guidelines, 2015. Collection method: clinical testing. Allele origin: germline.
Comment: The TTR c.209G>A variant is predicted to result in the amino acid substitution p.Ser70Asn. This variant (also referred to as p.Ser50Asn using legacy nomenclature) has been reported in an individual with hypertrophic cardiomyopathy (HCM) and atrial fibrillation (Maurizi et al. 2019. PubMed ID: 31371117). It has also been reported in two individuals with polyneuropathy and one individual with both polyneuropathy and cardiomyopathy (Skrahina et al. 2021. PubMed ID: 34658264). This variant is reported in 0.0046% of alleles in individuals of European (Non-Finnish) descent in gnomAD. Two other missense substitutions of the same amino acid (p.Ser70Arg, p.Ser70Ile) have also been reported as disease-causing for hereditary amyloidosis (Saeki et al. 1992. PubMed ID: 1644201; Munar-Ques et al. 2007. PubMed ID: 17577688; Yamashita et al. 2018. PubMed ID: 29177547). Although we suspect that the p.Ser70Asn variant may be pathogenic, the clinical significance of this variant is uncertain at this time due to the absence of conclusive functional and genetic evidence.

Women's Health and Genetics/Laboratory Corporation of America, LabCorp
Classification: Uncertain significance. Last evaluated: 2025-03-13. Review status: criteria provided, single submitter. Criteria: LabCorp Variant Classification Summary - May 2015. Collection method: clinical testing. Allele origin: germline.
Comment: Variant summary: TTR c.209G>A (p.Ser70Asn) results in a conservative amino acid change in the encoded protein sequence. Five of five in-silico tools predict a benign effect of the variant on protein function. The variant allele was found at a frequency of 2.4e-05 in 251386 control chromosomes. The available data on variant occurrences in the general population are insufficient to allow any conclusion about variant significance. c.209G>A has been reported in the literature in individuals affected with Amyloidosis, hereditary systemic 1 and related conditions (Maurizi_2020, Skrahina_2021) without evidence for causality. These report(s) do not provide unequivocal conclusions about association of the variant with Amyloidosis, hereditary systemic 1. Different variants affecting the same codon have been classified as pathogenic by our lab however additional evidence is needed at this time to determine the role of this variant in disease. To our knowledge, no experimental evidence demonstrating an impact on protein function has been reported. The following publications have been ascertained in the context of this evaluation (PMID: 31371117, 34658264). ClinVar contains an entry for this variant (Variation ID: 808383). Based on the evidence outlined above, the variant was classified as uncertain significance.

Ambry Genetics
Classification: Uncertain significance for Cardiovascular phenotype. Last evaluated: 2024-12-27. Review status: criteria provided, single submitter. Criteria: Ambry Variant Classification Scheme 2023. Collection method: clinical testing. Allele origin: germline.
Comment: The p.S70N variant (also known as c.209G>A), located in coding exon 3 of the TTR gene, results from a G to A substitution at nucleotide position 209. The serine at codon 70 is replaced by asparagine, an amino acid with highly similar properties. This variant was reported in individual(s) with some features that may be consistent with hereditary transthyretin-related amyloidosis (Lahuerta Pueyo C et al. Eur. J. Hum. Genet., 2019 May;27:783-791; Maurizi N et al. Int. J. Cardiol., 2020 02;300:191-195; Skrahina V et al. Ann Med. 2021 Dec;53(1):1787-1796; Oktay V et al. Anatol J Cardiol. 2023 Nov;27(11):628-638). This amino acid position is not well conserved in available vertebrate species. In addition, the in silico prediction for this alteration is inconclusive. Based on the available evidence, the clinical significance of this variant remains unclear.

Labcorp Genetics (formerly Invitae), Labcorp
Classification: Uncertain significance for Amyloidosis, hereditary systemic 1. Last evaluated: 2024-09-27. Review status: criteria provided, single submitter. Criteria: Invitae Variant Classification Sherloc (09022015). Collection method: clinical testing. Allele origin: germline.
Comment: This sequence change replaces serine, which is neutral and polar, with asparagine, which is neutral and polar, at codon 70 of the TTR protein (p.Ser70Asn). The frequency data for this variant in the population databases is considered unreliable, as metrics indicate poor data quality at this position in the gnomAD database. This missense change has been observed in individual(s) with clinical features of hereditary transthyretin-mediated amyloidosis (hATTR amyloidosis) (PMID: 31371117, 34658264). ClinVar contains an entry for this variant (Variation ID: 808383). Invitae Evidence Modeling of protein sequence and biophysical properties (such as structural, functional, and spatial information, amino acid conservation, physicochemical variation, residue mobility, and thermodynamic stability) indicates that this missense variant is expected to disrupt TTR protein function with a positive predictive value of 95%. This variant disrupts the p.Ser70 amino acid residue in TTR. Other variant(s) that disrupt this residue have been determined to be pathogenic (PMID: 1335038, 2363717, 22745357, 22928869, 23713495, 24053266, 27273296). This suggests that this residue is clinically significant, and that variants that disrupt this residue are likely to be disease-causing. In summary, the available evidence is currently insufficient to determine the role of this variant in disease. Therefore, it has been classified as a Variant of Uncertain Significance.

ARUP Laboratories, Molecular Genetics and Genomics, ARUP Laboratories
Classification: Uncertain significance. Last evaluated: 2024-06-05. Review status: criteria provided, single submitter. Criteria: ARUP Molecular Germline Variant Investigation Process 2024. Collection method: clinical testing. Allele origin: germline.
Comment: The TTR c.209G>A; p.Ser70Asn variant (rs121918080; ClinVar ID: 808383) is reported in the literature in several individuals with features of TTR-associated amyloidosis (Maurizi 2020, Skrahina 2021). This variant is found in the general population with an overall allele frequency of 0.0025% (7/282,768 alleles) in the Genome Aggregation Database (v2.1.1). Computational analyses are uncertain whether this variant is neutral or deleterious (REVEL: 0.359). Due to limited information, the clinical significance of this variant is uncertain at this time. References: Maurizi N et al. Prevalence of cardiac amyloidosis among adult patients referred to tertiary centres with an initial diagnosis of hypertrophic cardiomyopathy. Int J Cardiol. 2020 Feb 1;300:191-195. PMID: 31371117. Skrahina V et al. Hereditary transthyretin-related amyloidosis is frequent in polyneuropathy and cardiomyopathy of no obvious aetiology. Ann Med. 2021 Dec;53(1):1787-1796. PMID: 34658264.

Blueprint Genetics
Classification: Uncertain significance. Last evaluated: 2024-01-19. Review status: criteria provided, single submitter. Criteria: ACMG Guidelines, 2015. Collection method: clinical testing. Allele origin: germline.

GeneDx
Classification: Uncertain significance. Last evaluated: 2023-12-22. Review status: criteria provided, single submitter. Criteria: GeneDx Variant Classification Process June 2021. Collection method: clinical testing. Allele origin: germline. Affected: yes.
Comment: Reported previously as a likely pathogenic heterozygous variant in patients with polyneuropathy and/or cardiomyopathy (PMID: 34658264); Reported previously in a patient with atrial fibrillation; however, no further clinical information was provided (PMID: 31371117); In silico analysis supports that this missense variant does not alter protein structure/function; This variant is associated with the following publications: (PMID: 30683924, 31567998, 34658264, 31371117)

Fulgent Genetics
Classification: Uncertain significance for Amyloidosis, hereditary systemic 1; Carpal tunnel syndrome 1; Hyperthyroxinemia, dystransthyretinemic. Last evaluated: 2021-10-06. Review status: criteria provided, single submitter. Criteria: ACMG Guidelines, 2015. Collection method: clinical testing. Allele origin: unknown.

Practice for Gait Abnormalities, David Pomarino, Competency Network Toe Walking C/o Practice Pomarino
Classification: Uncertain significance for Tip-toe gait. Last evaluated: 2020-10-06. Review status: criteria provided, single submitter. Criteria: ACMG Guidelines, 2015. Collection method: clinical testing. Allele origin: unknown. Affected: yes.
Comment: Hereditary motor sensory neuropathy (HMSN), also known as Charcot-Marie-Tooth Disease (CMT), is the most commonly inherited peripheral polyneuropathy. It constitutes a group of inherited, progressive, motor and sensory peripheral nerve disorders with properties of demyelination, axonal degeneration, or both. It is classified by clinical characteristics, modes of inheritance, electrophysiologic features, metabolic defects, and specific gene markers. Our patients all walk on tiptoe, so they show similar symptoms. When we genetically test them with our toe walking panel, we find that around 90 per cent of them have a genetic variant that explains their toe walking. These can be assigned, for example, to the area of myopathies (such as variants of the COL6A3 gene), the area of hereditary neuropathies (such as variants of the KMT2C gene) or the area of metabolic diseases (such as variants of the PYGM gene). In a smaller group of patients with almost identical symptoms, no abnormality is found in the genes of our panel, but spastic paraplegia can be detected. In another small group of our toe walkers, no abnormalities can be detected in the genes analysed in our toe walking panel, nor do they suffer from spastic paraplegia, as is also the case with healthy children. In contrast to these, however, they show a tiptoe gait. These patients suffer from infantile cerebral palsy, in which toe walking can also be observed.

CeGaT Center for Human Genetics Tuebingen
Classification: Uncertain significance. Last evaluated: 2019-11-01. Review status: criteria provided, single submitter. Criteria: CeGaT Center For Human Genetics Tuebingen Variant Classification Criteria Version 2. Collection method: clinical testing. Allele origin: germline. Affected: yes. Observed: 3 variant alleles.

Literature cited by the submitters: PubMed 31371117 (cited by 3 submitters); PubMed 34658264 (cited by 3 submitters); PubMed 29875424 (cited by Ambry Genetics); PubMed 30683924 (cited by Ambry Genetics); PubMed 37466024 (cited by Ambry Genetics); PubMed 1335038 (cited by Labcorp Genetics (formerly Invitae), Labcorp); PubMed 2363717 (cited by Labcorp Genetics (formerly Invitae), Labcorp); PubMed 22745357 (cited by Labcorp Genetics (formerly Invitae), Labcorp); PubMed 22928869 (cited by Labcorp Genetics (formerly Invitae), Labcorp); PubMed 23713495 (cited by Labcorp Genetics (formerly Invitae), Labcorp); PubMed 24053266 (cited by Labcorp Genetics (formerly Invitae), Labcorp); PubMed 27273296 (cited by Labcorp Genetics (formerly Invitae), Labcorp); PubMed 37091313 (cited by Practice for Gait Abnormalities, David Pomarino, Competency Network Toe Walking C/o Practice Pomarino).

NM_000371.4(TTR):c.209G>A (p.Ser70Asn)

Gene: TTR (transthyretin; plus strand). Cytogenetic location: 18q12.1.
Variant type: single nucleotide variant.
Coding change: c.209G>A on transcript NM_000371.4 (MANE Select); coding-DNA position 209, G replaced by A.
Protein change: p.Ser70Asn; replaces serine 70 with asparagine.
Molecular consequence: missense variant.
Genome position (GRCh38, 1-based): chr18:31,595,128, G>A. VCF-style: chr18-31595128-G-A. GRCh37 (hg19) VCF-style: chr18-29175091-G-A.
Other names: short protein forms S70N.
Identifiers: ClinVar variation 808383 (VCV000808383.60), dbSNP rs121918080, ClinGen allele CA8928440.